The following is an entry in ClinVar:

ClinVar aggregate classification (germline): Uncertain significance. Review status: criteria provided, multiple submitters, no conflicts (2 of 4 stars). 2 submissions from 2 submitters: Uncertain significance (2). Last evaluated 2025-06-29.

Conditions:
MHC class I deficiency. Identifiers: Orphanet 34592, MedGen C6024714, MONDO:0011476.
Inborn genetic diseases. Identifiers: MedGen C0950123, MeSH D030342.

Allele frequency attached by ClinVar (database versions not stated): ExAC 0.00001.

Submissions (2):

Ambry Genetics
Classification: Uncertain significance for Inborn genetic diseases. Last evaluated: 2025-06-29. Review status: criteria provided, single submitter. Criteria: Ambry Variant Classification Scheme 2023. Collection method: clinical testing. Allele origin: germline.

Labcorp Genetics (formerly Invitae), Labcorp
Classification: Uncertain significance for MHC class I deficiency 1. Last evaluated: 2023-04-12. Review status: criteria provided, single submitter. Criteria: Invitae Variant Classification Sherloc (09022015). Collection method: clinical testing. Allele origin: germline.
Comment: This sequence change replaces valine, which is neutral and non-polar, with methionine, which is neutral and non-polar, at codon 176 of the TAP2 protein (p.Val176Met). In summary, the available evidence is currently insufficient to determine the role of this variant in disease. Therefore, it has been classified as a Variant of Uncertain Significance. Experimental studies and prediction algorithms are not available or were not evaluated, and the functional significance of this variant is currently unknown. ClinVar contains an entry for this variant (Variation ID: 2057151). This variant has not been reported in the literature in individuals affected with TAP2-related conditions. This variant is present in population databases (rs766784436, gnomAD 0.01%).

NM_001290043.2(TAP2):c.526G>A (p.Val176Met)

Genes: TAP2 (transporter 2, ATP binding cassette subfamily B member; minus strand), LOC107648851 (meiotic recombination hotspot TAP2; plus strand). Cytogenetic location: 6p21.32.
Variant type: single nucleotide variant.
Coding change: c.526G>A on transcript NM_001290043.2 (MANE Select); coding-DNA position 526, G replaced by A.
Protein change: p.Val176Met; replaces valine 176 with methionine.
Molecular consequence: missense variant.
Genome position (GRCh38, 1-based): chr6:32,837,619, C>T on the plus strand (G>A on the coding strand, the complement: TAP2 is on the minus strand). VCF-style: chr6-32837619-C-T. GRCh37 (hg19) VCF-style: chr6-32805396-C-T.
Other names: c.526G>A, p.Val176Met (NM_000544.3, NM_018833.3); short protein forms V176M.
Identifiers: ClinVar variation 2057151 (VCV002057151.5), dbSNP rs766784436, ClinGen allele CA3746134.